The following is an entry in ClinVar:

NM_001242896.3(DEPDC5):c.4568A>C (p.Gln1523Pro)

Gene: DEPDC5 (DEP domain containing 5, GATOR1 subcomplex subunit; plus strand). Cytogenetic location: 22q12.3.
Variant type: single nucleotide variant.
Coding change: c.4568A>C on transcript NM_001242896.3 (MANE Select); coding-DNA position 4568, A replaced by C.
Protein change: p.Gln1523Pro; replaces glutamine 1523 with proline.
Molecular consequence: missense variant. On other transcripts: non-coding transcript variant (5).
Genome position (GRCh38, 1-based): chr22:31,906,253, A>C. VCF-style: chr22-31906253-A-C. GRCh37 (hg19) VCF-style: chr22-32302239-A-C.
Other names: c.4541A>C, p.Gln1514Pro (NM_001136029.4); c.4268A>C, p.Gln1423Pro (NM_001242897.2); c.4502A>C, p.Gln1501Pro (NM_001363852.2, NM_001364320.2); c.4334A>C, p.Gln1445Pro (NM_001363854.2, NM_001364319.2); c.4568A>C, p.Gln1523Pro (NM_001364318.2); c.4484A>C, p.Gln1495Pro (NM_001369901.1, NM_001369902.1); c.4475A>C, p.Gln1492Pro (NM_001369903.1, NM_014662.6); short protein forms Q1423P, Q1495P, Q1514P, Q1523P, Q1492P, Q1445P, Q1501P.
Identifiers: ClinVar variation 859788 (VCV000859788.10), dbSNP rs2093756716, ClinGen allele CA411292381.
Genomic context (GRCh38, chr22:31,906,253, plus strand): 5'-CTTTCTCTTCAGGAACAGTGTTTCTGCAGCTGCCCTACTCCAAGCGCAAGTTCTCAGGGC[A>C]GCAGCGGCGGCGGCGGAACTCCACCAGCTCCACCAACCAGAACATGTTCTGCGAGGAGCG-3'
Protein context (NP_001229825.1, residues 1513-1533): LPYSKRKFSG[Gln1523Pro]QRRRRNSTSS

ClinVar aggregate classification (germline): Uncertain significance (1 of 4 stars; one submission).

Conditions:
Familial focal epilepsy with variable foci (FPEVF). Identifiers: Orphanet 98820, MedGen C1858477, MONDO:0020310.

Submission:

Labcorp Genetics (formerly Invitae), Labcorp
Classification: Uncertain significance for Familial focal epilepsy with variable foci. Last evaluated: 2019-12-30. Review status: criteria provided, single submitter. Criteria: Invitae Variant Classification Sherloc (09022015). Collection method: clinical testing. Allele origin: germline.
Comment: This variant is not present in population databases (ExAC no frequency). This sequence change replaces glutamine with proline at codon 1523 of the DEPDC5 protein (p.Gln1523Pro). The glutamine residue is highly conserved and there is a moderate physicochemical difference between glutamine and proline. Algorithms developed to predict the effect of missense changes on protein structure and function are either unavailable or do not agree on the potential impact of this missense change (SIFT: "Deleterious"; PolyPhen-2: "Not Available"; Align-GVGD: "Class C0"). This variant has not been reported in the literature in individuals with DEPDC5-related conditions. In summary, the available evidence is currently insufficient to determine the role of this variant in disease. Therefore, it has been classified as a Variant of Uncertain Significance.